The following is an entry in ClinVar:

NM_000208.4(INSR):c.355G>A (p.Ala119Thr)

Gene: INSR (insulin receptor; minus strand). Cytogenetic location: 19p13.2.
Variant type: single nucleotide variant.
Coding change: c.355G>A on transcript NM_000208.4 (MANE Select); coding-DNA position 355, G replaced by A.
Protein change: p.Ala119Thr; replaces alanine 119 with threonine.
Molecular consequence: missense variant.
Genome position (GRCh38, 1-based): chr19:7,267,642, C>T on the plus strand (G>A on the coding strand, the complement: INSR is on the minus strand). VCF-style: chr19-7267642-C-T. GRCh37 (hg19) VCF-style: chr19-7267653-C-T.
Other names: c.355G>A, p.Ala119Thr (NM_001079817.3); short protein forms A119T.
Identifiers: ClinVar variation 5006044 (VCV005006044.2).
Genomic context (GRCh38, chr19:7,267,642, plus strand): 5'-TGTTCATCAGGTTGTAGAGGCCGAGTTCCTTGAGGTGAACCATCTCGAAGATGACCAGCG[C>T]GTAGTTAAAGAACAGTCGTGATCCCCGGATGACCGTGAGGTTGGGGAACAGGTCCTTCAG-3'
Protein context (NP_000199.2, residues 109-129): IRGSRLFFNY[Ala119Thr]LVIFEMVHLK

ClinVar aggregate classification (germline): Likely pathogenic (1 of 4 stars; one submission).

Conditions:
Leprechaunism syndrome. Also called: Donohue syndrome; LEPRECHAUNISM. Identifiers: Orphanet 508, MedGen C0265344, MONDO:0009517, OMIM 246200.
Insulin-resistant diabetes mellitus AND acanthosis nigricans. Also called: DIABETES MELLITUS, INSULIN-RESISTANT, WITH ACANTHOSIS NIGRICANS, TYPE A; type A insulin resistance; Insulin-resistance syndrome type A; INSULIN RECEPTOR, DEFECT IN, WITH INSULIN-RESISTANT DIABETES MELLITUS AND ACANTHOSIS NIGRICANS; IRAN, TYPE A. Identifiers: Orphanet 2297, MedGen C0342278, MONDO:0012520, OMIM 610549.
Hyperinsulinism due to INSR deficiency. Also called: Hyperinsulinism due to glutamodehydrogenase deficiency. Identifiers: Orphanet 263458, MedGen C1864952, MONDO:0012381, OMIM 609968.
Rabson-Mendenhall syndrome. Also called: Pineal hyperplasia AND diabetes mellitus syndrome; MENDENHALL SYNDROME; Pineal Hyperplasia, Insulin-Resistant Diabetes Mellitus, and Somatic Abnormalities. Identifiers: Orphanet 769, MedGen C0271695, MONDO:0009874, OMIM 262190.

gnomAD v4.1: 1 of 1,613,916 alleles (0.000062%); highest among the groups gnomAD compares: South Asian, 0.0011%; no homozygotes.

Submission:

Juno Genomics, Hangzhou Juno Genomics, Inc
Classification: Likely pathogenic for Leprechaunism syndrome; Insulin-resistant diabetes mellitus AND acanthosis nigricans; Hyperinsulinism due to INSR deficiency; Rabson-Mendenhall syndrome. Review status: criteria provided, single submitter. Criteria: ACMG Guidelines, 2015. Collection method: clinical testing. Allele origin: germline.
Comment: Absent from controls (or at extremely low frequency if recessive) in Genome Aggregation Database.;Multiple lines of computational evidence support a deleterious effect on the gene or gene product.;Missense variant in a gene that has a low rate of benign missense variation.;For recessive disorders, detected in trans with a pathogenic variant.;Patient's phenotype or family history is highly specific for a disease with a single genetic etiology.